The following is an entry in ClinVar:

ClinVar aggregate classification (germline): Pathogenic (1 of 4 stars; one submission).

gnomAD v4.1: 11 of 1,613,612 alleles (0.00068%); highest among the groups gnomAD compares: Middle Eastern, 0.016%; no homozygotes.

Submission:

Labcorp Genetics (formerly Invitae), Labcorp
Classification: Pathogenic. Last evaluated: 2024-05-14. Review status: criteria provided, single submitter. Criteria: Invitae Variant Classification Sherloc (09022015). Collection method: clinical testing. Allele origin: germline.
Comment: This sequence change creates a premature translational stop signal (p.Arg758*) in the RIN2 gene. It is expected to result in an absent or disrupted protein product. Loss-of-function variants in RIN2 are known to be pathogenic (PMID: 19631308). This variant is present in population databases (no rsID available, gnomAD 0.0009%). This variant has not been reported in the literature in individuals affected with RIN2-related conditions. ClinVar contains an entry for this variant (Variation ID: 1073862). For these reasons, this variant has been classified as Pathogenic.

Literature cited by the submitters: PubMed 19631308.

NM_018993.4(RIN2):c.2272C>T (p.Arg758Ter)

Gene: RIN2 (Ras and Rab interactor 2; plus strand). Cytogenetic location: 20p11.23.
Variant type: single nucleotide variant.
Coding change: c.2272C>T on transcript NM_018993.4 (MANE Select); coding-DNA position 2272, C replaced by T.
Protein change: p.Arg758Ter; replaces arginine 758 with a stop codon.
Molecular consequence: nonsense.
Genome position (GRCh38, 1-based): chr20:19,996,750, C>T. VCF-style: chr20-19996750-C-T. GRCh37 (hg19) VCF-style: chr20-19977394-C-T.
Other names: c.2419C>T, p.Arg807Ter (NM_001242581.2); c.1654C>T, p.Arg552Ter (NM_001378238.1); short protein forms R552*, R758*, R807*.
Identifiers: ClinVar variation 1073862 (VCV001073862.7), dbSNP rs957776783, ClinGen allele CA312432053.